The following is an entry in ClinVar:

ClinVar aggregate classification (germline): Likely pathogenic (1 of 4 stars; one submission).

Submission:

GeneDx
Classification: Likely pathogenic. Last evaluated: 2016-11-22. Review status: criteria provided, single submitter. Criteria: GeneDx Variant Classification (06012015). Collection method: clinical testing. Allele origin: germline. Affected: yes.
Comment: A c.3965dupT variant that is likely pathogenic has been identified in the NRXN1 gene.The c.3965dupT variant in the NRXN1 gene causes a frameshift starting with codon Isoleucine 1323, changes this amino acid to an Asparagine residue and creates a premature Stop codon at position 47 of the new reading frame, denoted p.Ile1323AsnfsX47. This likely pathogenic variant is predicted to cause loss of normal protein function either through protein truncation or nonsense-mediated mRNA decay. Therefore, this variant is likely pathogenic; however, the possibility that it is benign cannot be excluded.

NM_001330078.2(NRXN1):c.3845dup (p.Ile1283fs)

Gene: NRXN1 (neurexin 1; minus strand). Cytogenetic location: 2p16.3.
Variant type: Duplication.
Coding change: c.3845dup on transcript NM_001330078.2 (MANE Select); coding-DNA position 3845, one base duplicated (T; older notation c.3845dupT).
Protein change: p.Ile1283fs; shifts the reading frame from isoleucine 1283.
Molecular consequence: frameshift variant.
Genome position (GRCh38, 1-based): chr2:50,053,554, A duplicated on the plus strand (T on the coding strand, the reverse complement: NRXN1 is on the minus strand). VCF-style (leftmost placement, unchanged base first): chr2-50053553-T-TA. GRCh37 (hg19) VCF-style: chr2-50280691-T-TA.
Other names: c.3965dup, p.Ile1323fs (NM_001135659.3); c.3821dup, p.Ile1275fs (NM_001330077.2, NM_001330082.2); c.3689dup, p.Ile1231fs (NM_001330083.2); c.3779dup, p.Ile1261fs (NM_001330084.2); c.3818dup, p.Ile1274fs (NM_001330085.2); c.3845dup, p.Ile1283fs (NM_001330086.2); c.3644dup, p.Ile1216fs (NM_001330087.2, NM_001330096.2); c.3674dup, p.Ile1226fs (NM_001330088.2); and 6 more; short protein forms I1216fs, I1261fs, I1275fs, I1279fs, I1283fs, I218fs, I1226fs, I1231fs.
Identifiers: ClinVar variation 422783 (VCV000422783.2), dbSNP rs1553535216, ClinGen allele CA16617735.